The following is an entry in ClinVar:

NM_024422.6(DSC2):c.355-3G>T

Gene: DSC2 (desmocollin 2; minus strand). Cytogenetic location: 18q12.1.
Variant type: single nucleotide variant.
Coding change: c.355-3G>T on transcript NM_024422.6 (MANE Select); 3 bases into the intron before coding-DNA position 355, G replaced by T.
Molecular consequence: intron variant.
Genome position (GRCh38, 1-based): chr18:31,091,150, C>A on the plus strand (G>T on the coding strand, the complement: DSC2 is on the minus strand). VCF-style: chr18-31091150-C-A. GRCh37 (hg19) VCF-style: chr18-28671113-C-A.
Other names: c.355-3G>T (NM_004949.5).
Identifiers: ClinVar variation 468382 (VCV000468382.8), dbSNP rs975997446, ClinGen allele CA297643524.

ClinVar aggregate classification (germline): Uncertain significance. Review status: criteria provided, multiple submitters, no conflicts (2 of 4 stars). 2 submissions from 2 submitters: Uncertain significance (2). Last evaluated 2025-08-26.

Conditions:
Cardiovascular phenotype. Identifiers: MedGen CN230736.
Arrhythmogenic right ventricular dysplasia 11. Also called: Arrhythmogenic Right Ventricular Dysplasia/Cardiomyopathy11; ARRHYTHMOGENIC RIGHT VENTRICULAR DYSPLASIA, FAMILIAL, 11; Arrhythmogenic right ventricular dysplasia 11 with mild palmoplantar keratoderma and woolly hair. Identifiers: MedGen C1864850, MONDO:0012506, OMIM 610476.

Allele frequency attached by ClinVar (database versions not stated): gnomAD exomes below 0.00001; gnomAD 0.00001.
gnomAD v4.1: 2 of 1,613,716 alleles (0.00012%); highest among the groups gnomAD compares: African/African-American, 0.0027%; no homozygotes.

Submissions (2):

Labcorp Genetics (formerly Invitae), Labcorp
Classification: Uncertain significance for Arrhythmogenic right ventricular dysplasia 11. Last evaluated: 2025-08-26. Review status: criteria provided, single submitter. Criteria: Invitae Variant Classification Sherloc (09022015). Collection method: clinical testing. Allele origin: germline.
Comment: This sequence change falls in intron 3 of the DSC2 gene. It does not directly change the encoded amino acid sequence of the DSC2 protein. It affects a nucleotide within the consensus splice site. This variant is present in population databases (no rsID available, gnomAD 0.007%). This variant has not been reported in the literature in individuals affected with DSC2-related conditions. ClinVar contains an entry for this variant (Variation ID: 468382). Variants that disrupt the consensus splice site are a relatively common cause of aberrant splicing (PMID: 17576681, 9536098). Algorithms developed to predict the effect of sequence changes on RNA splicing suggest that this variant is not likely to affect RNA splicing. In summary, the available evidence is currently insufficient to determine the role of this variant in disease. Therefore, it has been classified as a Variant of Uncertain Significance.

Ambry Genetics
Classification: Uncertain significance for Cardiovascular phenotype. Last evaluated: 2020-01-06. Review status: criteria provided, single submitter. Criteria: Ambry Variant Classification Scheme 2023. Collection method: clinical testing. Allele origin: germline.
Comment: The c.355-3G>T intronic variant results from a G to T substitution 3 nucleotides upstream from coding exon 4 in the DSC2 gene. This nucleotide position is not well conserved in available vertebrate species. Using the BDGP and ESEfinder splice site prediction tools, this alteration is not predicted to have any deleterious effect on this splice acceptor; however, direct evidence is unavailable. Since supporting evidence is limited at this time, the clinical significance of this alteration remains unclear.

Literature cited by the submitters: PubMed 17576681 (cited by Labcorp Genetics (formerly Invitae), Labcorp); PubMed 9536098 (cited by Labcorp Genetics (formerly Invitae), Labcorp).